The following is an entry in ClinVar:

ClinVar aggregate classification (germline): Uncertain significance (1 of 4 stars; one submission).

Submission:

Dasa
Classification: Uncertain significance. Last evaluated: 2025-10-06. Review status: criteria provided, single submitter. Criteria: DASA Assertion Criteria. Collection method: clinical testing. Allele origin: germline.
Comment: NM_001375380.1(EBF3):c.1801A>C (p.Asn601His) is a missense variant that results in the substitution of asparagine with histidine. This variant is absent from population databases. Computational prediction algorithms are consistent with a benign effect. The currently available literature and clinical evidence are not sufficient to establish a definitive association between this variant and the reported condition. Therefore, this variant is classified as a variant of uncertain significance.

NM_001375380.1(EBF3):c.1801A>C (p.Asn601His)

Gene: EBF3 (EBF transcription factor 3; minus strand). Cytogenetic location: 10q26.3.
Variant type: single nucleotide variant.
Coding change: c.1801A>C on transcript NM_001375380.1 (MANE Select); coding-DNA position 1801, A replaced by C.
Protein change: p.Asn601His; replaces asparagine 601 with histidine.
Molecular consequence: missense variant. On other transcripts: intron variant (4).
Genome position (GRCh38, 1-based): chr10:129,839,154, T>G on the plus strand (A>C on the coding strand, the complement: EBF3 is on the minus strand). VCF-style: chr10-129839154-T-G. GRCh37 (hg19) VCF-style: chr10-131637418-T-G.
Other names: c.1693A>C, p.Asn565His (NM_001375389.1); c.1666A>C, p.Asn556His (NM_001375390.1); c.1543+1091A>C (NM_001375392.1); c.1624+1091A>C (NM_001005463.3); c.1651+1091A>C (NM_001375391.1); c.1759+1091A>C (NM_001375379.1); short protein forms N556H, N565H, N601H.
Identifiers: ClinVar variation 4882528 (VCV004882528.2).
Genomic context (GRCh38, chr10:129,839,154, plus strand): 5'-CTTTTTTGAGCATTAGTTCATCAAAGTGAAATATGCCACCGACTTCACAAAAGGGCCAGT[T>G]TGTCTTCTCCGCGGCTACGTCCTCAGCACCCAGCAGAGAGCCTGGTACATAGTAGGTGCT-3'
Protein context (NP_001362309.1, residues 591-611): GAEDVAAEKT[Asn601His]WPFCEVGGIF